The following is an entry in ClinVar:

ClinVar aggregate classification (germline): Uncertain significance. Review status: criteria provided, multiple submitters, no conflicts (2 of 4 stars). 2 submissions from 2 submitters: Uncertain significance (2). Last evaluated 2025-11-06.

Conditions:
POLD1-related polyposis and colorectal cancer syndrome (CRCS10). Also called: Colorectal cancer 10; COLORECTAL CANCER, SUSCEPTIBILITY TO, ON CHROMOSOME 19q; Colorectal cancer, susceptibility to, 10. Identifiers: Orphanet 220460, MedGen C2675481, MONDO:0012953, OMIM 612591.
Hereditary cancer-predisposing syndrome. Also called: Tumor predisposition; Neoplastic Syndromes, Hereditary; Hereditary Cancer Syndrome; Hereditary neoplastic syndrome. Identifiers: Orphanet 140162, MedGen C0027672, MeSH D009386, MONDO:0015356.

Submissions (2):

Ambry Genetics
Classification: Uncertain significance for Hereditary cancer-predisposing syndrome. Last evaluated: 2025-11-06. Review status: criteria provided, single submitter. Criteria: Ambry Variant Classification Scheme 2023. Collection method: clinical testing. Allele origin: germline.
Comment: The c.2953+3A>G intronic variant results from an A to G substitution 3 nucleotides after coding exon 22 in the POLD1 gene. This nucleotide position is well conserved in available vertebrate species. In silico splice site analysis predicts that this alteration may weaken the native splice donor site. Based on the available evidence, the clinical significance of this variant remains unclear.

Labcorp Genetics (formerly Invitae), Labcorp
Classification: Uncertain significance for POLD1-related polyposis and colorectal cancer syndrome. Last evaluated: 2024-12-04. Review status: criteria provided, single submitter. Criteria: Invitae Variant Classification Sherloc (09022015). Collection method: clinical testing. Allele origin: germline.
Comment: This sequence change falls in intron 23 of the POLD1 gene. It does not directly change the encoded amino acid sequence of the POLD1 protein. It affects a nucleotide within the consensus splice site. This variant is not present in population databases (gnomAD no frequency). This variant has not been reported in the literature in individuals affected with POLD1-related conditions. ClinVar contains an entry for this variant (Variation ID: 2142231). Variants that disrupt the consensus splice site are a relatively common cause of aberrant splicing (PMID: 17576681, 9536098). Algorithms developed to predict the effect of sequence changes on RNA splicing suggest that this variant may disrupt the consensus splice site. In summary, the available evidence is currently insufficient to determine the role of this variant in disease. Therefore, it has been classified as a Variant of Uncertain Significance.

Literature cited by the submitters: PubMed 17576681 (cited by Labcorp Genetics (formerly Invitae), Labcorp); PubMed 9536098 (cited by Labcorp Genetics (formerly Invitae), Labcorp).

NM_002691.4(POLD1):c.2953+3A>G

Gene: POLD1 (DNA polymerase delta 1, catalytic subunit; plus strand). Cytogenetic location: 19q13.33.
Variant type: single nucleotide variant.
Coding change: c.2953+3A>G on transcript NM_002691.4 (MANE Select); 3 bases into the intron after coding-DNA position 2953, A replaced by G.
Molecular consequence: intron variant.
Genome position (GRCh38, 1-based): chr19:50,416,531, A>G. VCF-style: chr19-50416531-A-G. GRCh37 (hg19) VCF-style: chr19-50919788-A-G.
Other names: c.2953+3A>G (NM_002691.2, NM_001256849.1); c.3031+3A>G (NM_001308632.1).
Identifiers: ClinVar variation 2142231 (VCV002142231.5), dbSNP rs2514067069, ClinGen allele CA2580097834.